The following is an entry in ClinVar:

NM_020778.5(ALPK3):c.1688T>G (p.Met563Arg)

Gene: ALPK3 (alpha kinase 3; plus strand). Cytogenetic location: 15q25.3.
Variant type: single nucleotide variant.
Coding change: c.1688T>G on transcript NM_020778.5 (MANE Select); coding-DNA position 1688, T replaced by G.
Protein change: p.Met563Arg; replaces methionine 563 with arginine.
Molecular consequence: missense variant.
Genome position (GRCh38, 1-based): chr15:84,856,426, T>G. VCF-style: chr15-84856426-T-G. GRCh37 (hg19) VCF-style: chr15-85399657-T-G.
Other names: short protein forms M765R, M563R.
Identifiers: ClinVar variation 392012 (VCV000392012.17), dbSNP rs150028343, ClinGen allele CA7709271.

ClinVar aggregate classification (germline): Conflicting classifications of pathogenicity. Review status: criteria provided, conflicting classifications (1 of 4 stars). 7 submissions from 7 submitters: Uncertain significance (4); Likely benign (1). 2 of the submissions do not count toward it. Last evaluated 2026-07-01.

Conditions:
ALPK3-related disorder. Also called: ALPK3-related condition.
Cardiovascular phenotype. Identifiers: MedGen CN230736.

Allele frequency attached by ClinVar (database versions not stated): TOPMed 0.00010; ESP Exome Variant Server 0.00023.
gnomAD v4.1: 218 of 1,609,626 alleles (0.014%); highest among the groups gnomAD compares: Non-Finnish European, 0.015%; no homozygotes.

Submissions (7):

PreventionGenetics, part of Exact Sciences
Classification: Uncertain significance for ALPK3-related condition. Last evaluated: 2026-07-01. Review status: criteria provided, single submitter. Criteria: ACMG Guidelines, 2015. Collection method: clinical testing. Allele origin: germline.
Comment: The ALPK3 c.2294T>G variant is predicted to result in the amino acid substitution p.Met765Arg. This amino acid alteration has been reported in an individual with ventricular tachycardia due to arrhythmogenic right ventricular cardiomyopathy (Dixit et al. 2023. PubMed ID: 38204539). This variant is reported in 0.040% of alleles in individuals of Ashkenazi Jewish descent in gnomAD. At this time, the clinical significance of this variant is uncertain due to the absence of conclusive functional and genetic evidence.

Labcorp Genetics (formerly Invitae), Labcorp
Classification: Uncertain significance. Last evaluated: 2026-01-20. Review status: criteria provided, single submitter. Criteria: Invitae Variant Classification Sherloc (09022015). Collection method: clinical testing. Allele origin: germline.
Comment: This sequence change replaces methionine, which is neutral and non-polar, with arginine, which is basic and polar, at codon 765 of the ALPK3 protein (p.Met765Arg). This variant is present in population databases (rs150028343, gnomAD 0.04%). This variant has not been reported in the literature in individuals affected with ALPK3-related conditions. ClinVar contains an entry for this variant (Variation ID: 392012). Invitae Evidence Modeling of protein sequence and biophysical properties (such as structural, functional, and spatial information, amino acid conservation, physicochemical variation, residue mobility, and thermodynamic stability) indicates that this missense variant is not expected to disrupt ALPK3 protein function with a negative predictive value of 80%. In summary, the available evidence is currently insufficient to determine the role of this variant in disease. Therefore, it has been classified as a Variant of Uncertain Significance.

Ambry Genetics
Classification: Uncertain significance for Cardiovascular phenotype. Last evaluated: 2025-11-11. Review status: criteria provided, single submitter. Criteria: Ambry Variant Classification Scheme 2023. Collection method: clinical testing. Allele origin: germline.

Molecular Diagnostic Laboratory for Inherited Cardiovascular Disease, Montreal Heart Institute
Classification: Likely benign. Last evaluated: 2025-04-09. Review status: criteria provided, single submitter. Criteria: ACMG Guidelines, 2015. Collection method: clinical testing. Allele origin: germline. Affected: no.
Comment: BP1, BP4

GeneDx
Classification: Uncertain significance. Last evaluated: 2024-04-16. Review status: criteria provided, single submitter. Criteria: GeneDx Variant Classification Process June 2021. Collection method: clinical testing. Allele origin: germline. Affected: yes.
Comment: Reported in an individual with ARVC who also harbored a variant in the DSP gene (PMID: 38204539); In silico analysis indicates that this missense variant does not alter protein structure/function; Also known as p.(M765R); This variant is associated with the following publications: (PMID: 38204539)

Clinical Genetics DNA and cytogenetics Diagnostics Lab, Erasmus MC, Erasmus Medical Center
Classification: Uncertain significance. Review status: no assertion criteria provided. Collection method: clinical testing. Allele origin: germline. Affected: yes. Study: VKGL Data-share Consensus. Not counted in ClinVar's aggregate classification.

Clinical Genetics, Academic Medical Center
Classification: Uncertain significance. Review status: no assertion criteria provided. Collection method: clinical testing. Allele origin: germline. Affected: yes. Study: VKGL Data-share Consensus. Not counted in ClinVar's aggregate classification.